The following is an entry in ClinVar:

NM_005076.5(CNTN2):c.2185G>A (p.Val729Ile)

Gene: CNTN2 (contactin 2; plus strand). Cytogenetic location: 1q32.1.
Variant type: single nucleotide variant.
Coding change: c.2185G>A on transcript NM_005076.5 (MANE Select); coding-DNA position 2185, G replaced by A.
Protein change: p.Val729Ile; replaces valine 729 with isoleucine.
Molecular consequence: missense variant. On other transcripts: non-coding transcript variant (1).
Genome position (GRCh38, 1-based): chr1:205,069,550, G>A. VCF-style: chr1-205069550-G-A. GRCh37 (hg19) VCF-style: chr1-205038678-G-A.
Other names: c.2185G>A, p.Val729Ile (NM_001346083.2); short protein forms V729I.
Identifiers: ClinVar variation 1944580 (VCV001944580.4), dbSNP rs773485559, ClinGen allele CA1351621.

ClinVar aggregate classification (germline): Uncertain significance (1 of 4 stars; one submission).

Conditions:
Epilepsy, familial adult myoclonic, 5 (EPEO5). Also called: CORTICAL MYOCLONIC TREMOR WITH EPILEPSY, FAMILIAL, 5. Identifiers: Orphanet 86814, MedGen C3809374, MONDO:0014167, OMIM 615400.

Allele frequency attached by ClinVar (database versions not stated): gnomAD 0.00001; TOPMed 0.00002; gnomAD exomes 0.00003; ExAC 0.00007.
gnomAD v4.1: 40 of 1,613,378 alleles (0.0025%); highest among the groups gnomAD compares: South Asian, 0.022%; no homozygotes.

Submission:

Labcorp Genetics (formerly Invitae), Labcorp
Classification: Uncertain significance for Epilepsy, familial adult myoclonic, 5. Last evaluated: 2022-08-17. Review status: criteria provided, single submitter. Criteria: Invitae Variant Classification Sherloc (09022015). Collection method: clinical testing. Allele origin: germline.
Comment: This sequence change replaces valine, which is neutral and non-polar, with isoleucine, which is neutral and non-polar, at codon 729 of the CNTN2 protein (p.Val729Ile). In summary, the available evidence is currently insufficient to determine the role of this variant in disease. Therefore, it has been classified as a Variant of Uncertain Significance. Advanced modeling of protein sequence and biophysical properties (such as structural, functional, and spatial information, amino acid conservation, physicochemical variation, residue mobility, and thermodynamic stability) performed at Invitae indicates that this missense variant is not expected to disrupt CNTN2 protein function. This variant has not been reported in the literature in individuals affected with CNTN2-related conditions. This variant is present in population databases (rs773485559, gnomAD 0.03%).